The following is an entry in ClinVar:

ClinVar aggregate classification (germline): Pathogenic/Likely pathogenic. Review status: criteria provided, multiple submitters, no conflicts (2 of 4 stars). 3 submissions from 3 submitters: Pathogenic (1); Likely pathogenic (1). 1 of the submissions does not count toward it. Last evaluated 2024-09-25.

Conditions:
Idiopathic and/or familial pulmonary arterial hypertension. Identifiers: Orphanet 422, MedGen C5679820, MONDO:0008347.
Pulmonary arterial hypertension. Identifiers: Orphanet 182090, MedGen C2973725, MeSH D000081029, MONDO:0015924, HP:0002092.
Primary pulmonary hypertension. Also called: Idiopathic pulmonary hypertension. Identifiers: MedGen C0152171.
BMPR2-related disorder. Also called: BMPR2-related disorders; BMPR2-related condition.

Submissions (3):

Blueprint Genetics
Classification: Likely pathogenic for BMPR2-related disorders. Last evaluated: 2024-09-25. Review status: criteria provided, single submitter. Criteria: ACMG Guidelines, 2015. Collection method: clinical testing. Allele origin: germline. Affected: yes. Observed: 1 variant allele.

Labcorp Genetics (formerly Invitae), Labcorp
Classification: Pathogenic for Primary pulmonary hypertension. Last evaluated: 2020-09-19. Review status: criteria provided, single submitter. Criteria: Invitae Variant Classification Sherloc (09022015). Collection method: clinical testing. Allele origin: germline.
Comment: This variant has been observed in individual(s) with pulmonary hypertension (PMID: 31727138). This variant is not present in population databases (ExAC no frequency). Loss-of-function variants in BMPR2 are known to be pathogenic (PMID: 16429395). For these reasons, this variant has been classified as Pathogenic. This sequence change creates a premature translational stop signal (p.Asn583Lysfs*6) in the BMPR2 gene. It is expected to result in an absent or disrupted protein product.

Wendy Chung Laboratory, Boston Children's Hospital
No classification provided. Condition: Idiopathic and/or familial pulmonary arterial hypertension. Review status: no classification provided. Collection method: literature only. Allele origin: germline. Affected: yes. Not counted in ClinVar's aggregate classification.

Literature cited by the submitters: PubMed 31727138 (cited by Labcorp Genetics (formerly Invitae), Labcorp and Wendy Chung Laboratory, Boston Children's Hospital); PubMed 16429395 (cited by Labcorp Genetics (formerly Invitae), Labcorp).

NM_001204.7(BMPR2):c.1748dup (p.Asn583fs)

Gene: BMPR2 (bone morphogenetic protein receptor type 2; plus strand). Cytogenetic location: 2q33.2.
Variant type: Duplication.
Coding change: c.1748dup on transcript NM_001204.7 (MANE Select); coding-DNA position 1748, one base duplicated (A; older notation c.1748dupA).
Protein change: p.Asn583fs; shifts the reading frame from asparagine 583.
Molecular consequence: frameshift variant.
Genome position (GRCh38, 1-based): chr2:202,555,413, A duplicated; the last of 7 consecutive A bases (chr2:202,555,407-202,555,413); duplicating any one gives the same sequence. VCF-style (leftmost placement, unchanged base first): chr2-202555406-G-GA. GRCh37 (hg19) VCF-style: chr2-203420129-G-GA.
Other names: short protein forms N583fs.
Identifiers: ClinVar variation 1069660 (VCV001069660.14), dbSNP rs772920507, ClinGen allele CA2499215571.